The following is an entry in ClinVar:

NM_014321.4(ORC6):c.8C>T (p.Ser3Leu)

Gene: ORC6 (origin recognition complex subunit 6; plus strand). Cytogenetic location: 16q11.2.
Variant type: single nucleotide variant.
Coding change: c.8C>T on transcript NM_014321.4 (MANE Select); coding-DNA position 8, C replaced by T.
Protein change: p.Ser3Leu; replaces serine 3 with leucine.
Molecular consequence: missense variant. On other transcripts: non-coding transcript variant (1).
Genome position (GRCh38, 1-based): chr16:46,689,713, C>T. VCF-style: chr16-46689713-C-T. GRCh37 (hg19) VCF-style: chr16-46723625-C-T.
Other names: short protein forms S3L.
Identifiers: ClinVar variation 1447499 (VCV001447499.6), dbSNP rs767096909, ClinGen allele CA395817436.

ClinVar aggregate classification (germline): Uncertain significance (1 of 4 stars; one submission).

Allele frequency attached by ClinVar (database versions not stated): TOPMed below 0.00001; gnomAD 0.00001.
gnomAD v4.1: 2 of 1,601,162 alleles (0.00012%); highest among the groups gnomAD compares: African/African-American, 0.0013%; no homozygotes.

Submission:

Labcorp Genetics (formerly Invitae), Labcorp
Classification: Uncertain significance. Last evaluated: 2023-12-06. Review status: criteria provided, single submitter. Criteria: Invitae Variant Classification Sherloc (09022015). Collection method: clinical testing. Allele origin: germline.
Comment: This sequence change replaces serine, which is neutral and polar, with leucine, which is neutral and non-polar, at codon 3 of the ORC6 protein (p.Ser3Leu). This variant is not present in population databases (gnomAD no frequency). This variant has not been reported in the literature in individuals affected with ORC6-related conditions. ClinVar contains an entry for this variant (Variation ID: 1447499). An algorithm developed to predict the effect of missense changes on protein structure and function (PolyPhen-2) suggests that this variant is likely to be tolerated. In summary, the available evidence is currently insufficient to determine the role of this variant in disease. Therefore, it has been classified as a Variant of Uncertain Significance.